The following is an entry in ClinVar:

NM_004006.3(DMD):c.3787-107A>G

Gene: DMD (dystrophin; minus strand). Cytogenetic location: Xp21.1.
Variant type: single nucleotide variant.
Coding change: c.3787-107A>G on transcript NM_004006.3 (MANE Select); 107 bases into the intron before coding-DNA position 3787, A replaced by G.
Molecular consequence: intron variant.
Genome position (GRCh38, 1-based): chrX:32,441,421, T>C on the plus strand (A>G on the coding strand, the complement: DMD is on the minus strand). VCF-style: chrX-32441421-T-C. GRCh37 (hg19) VCF-style: chrX-32459538-T-C.
Other names: c.3763-107A>G (NM_000109.4); c.3775-107A>G (NM_004009.3); c.3418-107A>G (NM_004010.3).
Identifiers: ClinVar variation 4688942 (VCV004688942.1).

ClinVar aggregate classification (germline): Likely pathogenic. Review status: criteria provided, multiple submitters, no conflicts (2 of 4 stars). 2 submissions from 2 submitters: Likely pathogenic (2). Last evaluated 2026-01-23.

Conditions:
Becker muscular dystrophy (BMD). Also called: MUSCULAR DYSTROPHY, PSEUDOHYPERTROPHIC PROGRESSIVE, BECKER TYPE; Becker Muscular Dystrophy (BMD). Identifiers: Orphanet 98895, MedGen C0917713, MONDO:0010311, OMIM 300376.
Neuromuscular disease caused by qualitative or quantitative defects of dystrophin. Also called: Qualitative or quantitative defects of dystrophin. Identifiers: Orphanet 207085, MedGen C5679787, MONDO:0016147.

Submissions (2):

Women's Health and Genetics/Laboratory Corporation of America, LabCorp
Classification: Likely pathogenic for Neuromuscular disease caused by qualitative or quantitative defects of dystrophin. Last evaluated: 2026-01-23. Review status: criteria provided, single submitter. Criteria: LabCorp Variant Classification Summary - May 2015. Collection method: clinical testing. Allele origin: germline.
Comment: Variant summary: DMD c.3787-107A>G is located at a position not widely known to affect splicing. Several computational tools predict a significant impact on normal splicing: Three predict the variant strengthens a cryptic 5' donor site. One predict the variant creates a 5' donor site. At least one publication reports experimental evidence that this variant affects mRNA splicing by insertion of 58 nucelotides from intron 27, resulting in a frameshift and premature termination codon (Xie_2023). The variant was absent in 21796 control chromosomes. c.3787-107A>G has been observed in multiple individuals from a family affected with Becker muscular dystrophy (Xie_2023). These data indicate that the variant may be associated with disease. The following publication has been ascertained in the context of this evaluation (PMID: 36319768). No submitters have cited clinical-significance assessments for this variant to ClinVar. Based on the evidence outlined above, the variant was classified as likely pathogenic.

Variantyx, Inc.
Classification: Likely pathogenic for Becker muscular dystrophy. Last evaluated: 2025-11-15. Review status: criteria provided, single submitter. Criteria: Variantyx Assertion Criteria 2022. Collection method: clinical testing. Allele origin: maternal. Inheritance: X-linked recessive inheritance. Affected: yes.
Comment: This is an intronic variant in the DMD gene (OMIM: 300377). Pathogenic variants in this gene have been associated with X-linked Becker muscular dystrophy. Splicing studies suggest that this variant results in an altered protein and premature stop codon (PMID: 36319768), and loss of function is a known disease mechanism for DMD in this disorder (PMID: 25007885, 16770791) (PVS1_Strong). This variant has been reported in at least 1 affected individual (PMID: 36319768) (PS4) and has been observed to segregate with disease in at least 6 individuals from 1 family (PMID: 36319768) (PP1). This variant is absent from control populations (PM2). Algorithms that predict the potential impact of sequence variants on RNA splicing suggest that this variant has conflicting evidence regarding the effect on splicing. Based on the current evidence, this variant is classified as likely pathogenic for X-linked Becker muscular dystrophy.

Literature cited by the submitters: PubMed 36319768 (cited by Women's Health and Genetics/Laboratory Corporation of America, LabCorp and Variantyx, Inc.).